The following is an entry in ClinVar:

ClinVar aggregate classification (germline): Uncertain significance (1 of 4 stars; one submission).

Conditions:
Ehlers-Danlos syndrome, musculocontractural type (EDSMC). Also called: ARTHROGRYPOSIS, DISTAL, WITH PECULIAR FACIES AND HYDRONEPHROSIS; DUNDAR SYNDROME; ADDUCTED THUMB-CLUBFOOT SYNDROME; Adducted thumb, clubfoot, progressive joint and skin laxity syndrome. Identifiers: Orphanet 2953, MedGen C1866294, MONDO:0011142.

Submission:

Labcorp Genetics (formerly Invitae), Labcorp
Classification: Uncertain significance for Ehlers-Danlos syndrome, musculocontractural type. Last evaluated: 2022-07-19. Review status: criteria provided, single submitter. Criteria: Invitae Variant Classification Sherloc (09022015). Collection method: clinical testing. Allele origin: germline.
Comment: In summary, the available evidence is currently insufficient to determine the role of this variant in disease. Therefore, it has been classified as a Variant of Uncertain Significance. Algorithms developed to predict the effect of missense changes on protein structure and function are either unavailable or do not agree on the potential impact of this missense change (SIFT: "Deleterious"; PolyPhen-2: "Possibly Damaging"; Align-GVGD: "Class C0"). ClinVar contains an entry for this variant (Variation ID: 1432104). This variant has not been reported in the literature in individuals affected with CHST14-related conditions. This variant is not present in population databases (gnomAD no frequency). This sequence change replaces alanine, which is neutral and non-polar, with valine, which is neutral and non-polar, at codon 326 of the CHST14 protein (p.Ala326Val).

NM_130468.4(CHST14):c.977C>T (p.Ala326Val)

Gene: CHST14 (carbohydrate sulfotransferase 14; plus strand). Cytogenetic location: 15q15.1.
Variant type: single nucleotide variant.
Coding change: c.977C>T on transcript NM_130468.4 (MANE Select); coding-DNA position 977, C replaced by T.
Protein change: p.Ala326Val; replaces alanine 326 with valine.
Molecular consequence: missense variant.
Genome position (GRCh38, 1-based): chr15:40,472,190, C>T. VCF-style: chr15-40472190-C-T. GRCh37 (hg19) VCF-style: chr15-40764389-C-T.
Other names: short protein forms A326V.
Identifiers: ClinVar variation 1432104 (VCV001432104.8), dbSNP rs1234827728, ClinGen allele CA391768332.
Genomic context (GRCh38, chr15:40,472,190, plus strand): 5'-CAAATCAGGTGCTGGAGTGGGTACGGGCACCACCTCACGTCCGATTTCCAGCTCGCCAGG[C>T]CTGGTACCGGCCAGCCAGCCCCGAAAGCCTGCATTACCACTTGTGCAGTGCCCCCCGGGC-3'
Protein context (NP_569735.1, residues 316-336): PPHVRFPARQ[Ala326Val]WYRPASPESL